The following is an entry in ClinVar:

ClinVar aggregate classification (germline): Uncertain significance (1 of 4 stars; one submission).

Submission:

Labcorp Genetics (formerly Invitae), Labcorp
Classification: Uncertain significance. Last evaluated: 2024-07-12. Review status: criteria provided, single submitter. Criteria: Invitae Variant Classification Sherloc (09022015). Collection method: clinical testing. Allele origin: germline.
Comment: This sequence change affects codon 839 of the CHD4 mRNA. It is a 'silent' change, meaning that it does not change the encoded amino acid sequence of the CHD4 protein. This variant is not present in population databases (gnomAD no frequency). This variant has not been reported in the literature in individuals affected with CHD4-related conditions. Algorithms developed to predict the effect of sequence changes on RNA splicing suggest that this variant may create or strengthen a splice site. In summary, the available evidence is currently insufficient to determine the role of this variant in disease. Therefore, it has been classified as a Variant of Uncertain Significance.

NM_001273.5(CHD4):c.2517A>G (p.Lys839=)

Gene: CHD4 (chromodomain helicase DNA binding protein 4; minus strand). Cytogenetic location: 12p13.31.
Variant type: single nucleotide variant.
Coding change: c.2517A>G on transcript NM_001273.5 (MANE Select); coding-DNA position 2517, A replaced by G.
Protein change: p.Lys839=; no amino-acid change (lysine 839 retained).
Molecular consequence: synonymous variant.
Genome position (GRCh38, 1-based): chr12:6,593,226, T>C on the plus strand (A>G on the coding strand, the complement: CHD4 is on the minus strand). VCF-style: chr12-6593226-T-C. GRCh37 (hg19) VCF-style: chr12-6702392-T-C.
Other names: c.2496A>G, p.Lys832= (NM_001297553.2); c.2478A>G, p.Lys826= (NM_001363606.2).
Identifiers: ClinVar variation 3658769 (VCV003658769.2).